The following is an entry in ClinVar:

NM_000264.5(PTCH1):c.1213G>A (p.Glu405Lys)

Gene: PTCH1 (patched 1; minus strand). Cytogenetic location: 9q22.32.
Variant type: single nucleotide variant.
Coding change: c.1213G>A on transcript NM_000264.5 (MANE Select); coding-DNA position 1213, G replaced by A.
Protein change: p.Glu405Lys; replaces glutamic acid 405 with lysine.
Molecular consequence: missense variant. On other transcripts: non-coding transcript variant (1).
Genome position (GRCh38, 1-based): chr9:95,479,002, C>T on the plus strand (G>A on the coding strand, the complement: PTCH1 is on the minus strand). VCF-style: chr9-95479002-C-T. GRCh37 (hg19) VCF-style: chr9-98241284-C-T.
Other names: c.1015G>A, p.Glu339Lys (NM_001083602.3); c.1210G>A, p.Glu404Lys (NM_001083603.3); c.760G>A, p.Glu254Lys (NM_001083604.3, NM_001083605.3, NM_001083606.3 and 1 more transcripts); c.1213G>A, p.Glu405Lys (NM_001354918.2); short protein forms E254K, E339K, E404K, E405K.
Identifiers: ClinVar variation 2752268 (VCV002752268.3), dbSNP rs2538216536, ClinGen allele CA374119209.

ClinVar aggregate classification (germline): Uncertain significance (1 of 4 stars; one submission).

Conditions:
Gorlin syndrome. Also called: Nevoid Basal Cell Carcinoma Syndrome; Basal cell nevus syndrome. Identifiers: Orphanet 377, MedGen C0004779, MONDO:0007187.

Submission:

Labcorp Genetics (formerly Invitae), Labcorp
Classification: Uncertain significance for Gorlin syndrome. Last evaluated: 2024-07-15. Review status: criteria provided, single submitter. Criteria: Invitae Variant Classification Sherloc (09022015). Collection method: clinical testing. Allele origin: germline.
Comment: This sequence change replaces glutamic acid, which is acidic and polar, with lysine, which is basic and polar, at codon 405 of the PTCH1 protein (p.Glu405Lys). This variant is not present in population databases (gnomAD no frequency). This variant has not been reported in the literature in individuals affected with PTCH1-related conditions. An algorithm developed to predict the effect of missense changes on protein structure and function (PolyPhen-2) suggests that this variant is likely to be tolerated. In summary, the available evidence is currently insufficient to determine the role of this variant in disease. Therefore, it has been classified as a Variant of Uncertain Significance.